The following is an entry in ClinVar:

NM_030665.4(RAI1):c.1301G>C (p.Ser434Thr)

Gene: RAI1 (retinoic acid induced 1; plus strand). Cytogenetic location: 17p11.2.
Variant type: single nucleotide variant.
Coding change: c.1301G>C on transcript NM_030665.4 (MANE Select); coding-DNA position 1301, G replaced by C.
Protein change: p.Ser434Thr; replaces serine 434 with threonine.
Molecular consequence: missense variant.
Genome position (GRCh38, 1-based): chr17:17,794,249, G>C. VCF-style: chr17-17794249-G-C. GRCh37 (hg19) VCF-style: chr17-17697563-G-C.
Other names: short protein forms S434T.
Identifiers: ClinVar variation 2131813 (VCV002131813.4), dbSNP rs766592531, ClinGen allele CA398547433.

ClinVar aggregate classification (germline): Uncertain significance (1 of 4 stars; one submission).

gnomAD v4.1: 2 of 1,613,334 alleles (0.00012%); highest among the groups gnomAD compares: Non-Finnish European, 0.00017%; no homozygotes.

Submission:

Labcorp Genetics (formerly Invitae), Labcorp
Classification: Uncertain significance. Last evaluated: 2022-05-04. Review status: criteria provided, single submitter. Criteria: Invitae Variant Classification Sherloc (09022015). Collection method: clinical testing. Allele origin: germline.
Comment: This sequence change replaces serine, which is neutral and polar, with threonine, which is neutral and polar, at codon 434 of the RAI1 protein (p.Ser434Thr). In summary, the available evidence is currently insufficient to determine the role of this variant in disease. Therefore, it has been classified as a Variant of Uncertain Significance. Algorithms developed to predict the effect of missense changes on protein structure and function (SIFT, PolyPhen-2, Align-GVGD) all suggest that this variant is likely to be disruptive. This variant has not been reported in the literature in individuals affected with RAI1-related conditions. This variant is not present in population databases (gnomAD no frequency).